The following is an entry in ClinVar:

ClinVar aggregate classification (germline): Likely pathogenic. Review status: criteria provided, multiple submitters, no conflicts (2 of 4 stars). 2 submissions from 2 submitters: Likely pathogenic (2). Last evaluated 2024-04-19.

Conditions:
Hereditary cancer-predisposing syndrome. Also called: Hereditary neoplastic syndrome; Tumor predisposition; Hereditary Cancer Syndrome; Neoplastic Syndromes, Hereditary. Identifiers: Orphanet 140162, MedGen C0027672, MeSH D009386, MONDO:0015356.
Familial cancer of breast. Also called: hereditary breast carcinoma; Hereditary breast cancer; BREAST CANCER, FAMILIAL. Identifiers: Orphanet 227535, MedGen C0346153, MONDO:0016419, OMIM 114480. Disease mechanism: loss of function.

Submissions (2):

Ambry Genetics
Classification: Likely pathogenic for Hereditary cancer-predisposing syndrome. Last evaluated: 2024-04-19. Review status: criteria provided, single submitter. Criteria: Ambry Variant Classification Scheme 2023. Collection method: clinical testing. Allele origin: germline.
Comment: The c.320-1G>C intronic variant results from a G to C substitution one nucleotide upstream from coding exon 2 of the CHEK2 gene. This variant is considered to be rare based on population cohorts in the Genome Aggregation Database (gnomAD). This nucleotide position is highly conserved in available vertebrate species. In silico splice site analysis predicts that this alteration will weaken the native splice acceptor site and may result in the creation or strengthening of a novel splice acceptor site. RNA studies have demonstrated that this alteration results in abnormal splicing in the set of samples tested (Ambry internal data). Alterations that disrupt the canonical splice site are expected to cause aberrant splicing, resulting in an abnormal protein or a transcript that is subject to nonsense-mediated mRNA decay. As such, this alteration is classified as likely pathogenic.

Labcorp Genetics (formerly Invitae), Labcorp
Classification: Likely pathogenic for Familial cancer of breast. Last evaluated: 2015-10-19. Review status: criteria provided, single submitter. Criteria: Invitae Variant Classification Sherloc (09022015). Collection method: clinical testing. Allele origin: germline.
Comment: For these reasons, this variant has been classified as Likely Pathogenic. While this particular variant has not been reported in the literature, truncating variants in CHEK2 are known to be pathogenic (PMID: 21876083, 24713400). This sequence change affects an acceptor splice site in intron 2. It is expected to disrupt mRNA splicing and likely results in an absent or disrupted protein product.

Literature cited by the submitters: PubMed 21876083 (cited by Labcorp Genetics (formerly Invitae), Labcorp); PubMed 24713400 (cited by Labcorp Genetics (formerly Invitae), Labcorp).

NM_007194.4(CHEK2):c.320-1G>C

Gene: CHEK2 (checkpoint kinase 2; minus strand). Cytogenetic location: 22q12.1.
Variant type: single nucleotide variant.
Coding change: c.320-1G>C on transcript NM_007194.4 (MANE Select); the canonical splice acceptor site of the intron before coding-DNA position 320, G replaced by C.
Molecular consequence: splice acceptor variant.
Genome position (GRCh38, 1-based): chr22:28,725,368, C>G on the plus strand (G>C on the coding strand, the complement: CHEK2 is on the minus strand). VCF-style: chr22-28725368-C-G. GRCh37 (hg19) VCF-style: chr22-29121356-C-G.
Other names: c.-344-1G>C (NM_001437942.1); c.320-1G>C (NM_001349956.3, NM_145862.3); c.-458-1G>C (NM_001257387.3); c.413-1G>C (NM_001438295.1, NM_001438293.1); c.449-1G>C (NM_001438294.1, NM_001005735.3).
Identifiers: ClinVar variation 220632 (VCV000220632.12), dbSNP rs864622613, ClinGen allele CA348175.
Genomic context (GRCh38, chr22:28,725,368, plus strand): 5'-CATCAAAGCAATATTCACAGCTTTTGTCCCTCCCAAACCAGTAGTTGTCATTCACACATT[C>G]TGTAATATAAAAGCATGCATCAGAGGGCTGTTGAATTTCATGTATCAAACGTTTAAAAAT-3'